The following is an entry in ClinVar:

ClinVar aggregate classification (germline): Pathogenic (1 of 4 stars; one submission).

Allele frequency attached by ClinVar (database versions not stated): TOPMed below 0.00001.

Submission:

Labcorp Genetics (formerly Invitae), Labcorp
Classification: Pathogenic. Last evaluated: 2023-09-21. Review status: criteria provided, single submitter. Criteria: Invitae Variant Classification Sherloc (09022015). Collection method: clinical testing. Allele origin: germline.
Comment: This sequence change creates a premature translational stop signal (p.Ile4399Profs*32) in the ADGRV1 gene. It is expected to result in an absent or disrupted protein product. Loss-of-function variants in ADGRV1 are known to be pathogenic (PMID: 19357117, 22135276, 22147658, 26226137, 30718709, 31047384, 32467589). This variant is not present in population databases (gnomAD no frequency). This variant has not been reported in the literature in individuals affected with ADGRV1-related conditions. For these reasons, this variant has been classified as Pathogenic.

Literature cited by the submitters: PubMed 19357117; PubMed 22135276; PubMed 22147658; PubMed 26226137; PubMed 30718709; PubMed 31047384; PubMed 32467589.

NM_032119.4(ADGRV1):c.13195_13208del (p.Ile4399fs)

Gene: ADGRV1 (adhesion G protein-coupled receptor V1; plus strand). Cytogenetic location: 5q14.3.
Variant type: Deletion.
Coding change: c.13195_13208del on transcript NM_032119.4 (MANE Select); coding-DNA positions 13195 to 13208, 14 bases deleted (ATCATTGAATTTGA).
Protein change: p.Ile4399fs; shifts the reading frame from isoleucine 4399.
Molecular consequence: frameshift variant. On other transcripts: non-coding transcript variant (1).
Genome position (GRCh38, 1-based): chr5:90,781,542-90,781,555, ATCATTGAATTTGA deleted. VCF-style (leftmost placement, unchanged base first): chr5-90781541-CATCATTGAATTTGA-C. GRCh37 (hg19) VCF-style: chr5-90077358-CATCATTGAATTTGA-C.
Other names: short protein forms I4399fs.
Identifiers: ClinVar variation 2762288 (VCV002762288.3), dbSNP rs1758849341, ClinGen allele CA1562897992.
Genomic context (GRCh38, chr5:90,781,541, plus strand): 5'-TGAAATAGGAAACATCTCCATTGTTCGCATCATAATAATGAAAAATGATAACGCAGAAGG[CATCATTGAATTTGA>C]CCCAAAGTATACTGCCTTCGAAGGTAGGTTCAGTCAGCTAGCTTGTAAGTAAGTTTACTA-3'